The following is an entry in ClinVar:

NM_001365951.3(KIF1B):c.5290A>G (p.Thr1764Ala)

Gene: KIF1B (kinesin family member 1B; plus strand). Cytogenetic location: 1p36.22.
Variant type: single nucleotide variant.
Coding change: c.5290A>G on transcript NM_001365951.3 (MANE Select); coding-DNA position 5290, A replaced by G.
Protein change: p.Thr1764Ala; replaces threonine 1764 with alanine.
Molecular consequence: missense variant.
Genome position (GRCh38, 1-based): chr1:10,375,255, A>G. VCF-style: chr1-10375255-A-G. GRCh37 (hg19) VCF-style: chr1-10435313-A-G.
Other names: c.5290A>G, p.Thr1764Ala (NM_001365952.1); c.5152A>G, p.Thr1718Ala (NM_015074.3); short protein forms T1718A, T1764A.
Identifiers: ClinVar variation 3226539 (VCV003226539.1), dbSNP rs2102363828, ClinGen allele CA338331565.
Genomic context (GRCh38, chr1:10,375,255, plus strand): 5'-AGGCAGTCCCCATTGCTGTCTCTGTAGTAACTTTCTTGTCTACCTGCATTTTTCTTTCAG[A>G]CACCAAACACCTTTGCTGTCTGCACAAAGCACCGTGGGGTCCTTTTGCAGGCCCTCAATG-3'
Protein context (NP_001352880.1, residues 1754-1774): YSEDQQAMVK[Thr1764Ala]PNTFAVCTKH

ClinVar aggregate classification (germline): Uncertain significance (1 of 4 stars; one submission).

gnomAD v4.1: 2 of 1,613,428 alleles (0.00012%); highest among the groups gnomAD compares: African/African-American, 0.0027%; no homozygotes.

Submission:

Ambry Genetics
Classification: Uncertain significance. Last evaluated: 2023-10-16. Review status: criteria provided, single submitter. Criteria: Ambry Variant Classification Scheme 2023. Collection method: clinical testing. Allele origin: germline.
Comment: The p.T1718A variant (also known as c.5152A>G) is located in coding exon 45 of the KIF1B gene. The threonine at codon 1718 is replaced by alanine, an amino acid with similar properties. This change occurs in the first base pair of coding exon 45. This amino acid position is conserved. In addition, this alteration is predicted to be tolerated by in silico analysis. Since supporting evidence is limited at this time, the clinical significance of this alteration remains unclear.